The following is an entry in ClinVar:

NM_006767.4(LZTR1):c.993+1G>T

Gene: LZTR1 (leucine zipper like post translational regulator 1; plus strand). Cytogenetic location: 22q11.21.
Variant type: single nucleotide variant.
Coding change: c.993+1G>T on transcript NM_006767.4 (MANE Select); the canonical splice donor site of the intron after coding-DNA position 993, G replaced by T.
Molecular consequence: splice donor variant.
Genome position (GRCh38, 1-based): chr22:20,991,830, G>T. VCF-style: chr22-20991830-G-T. GRCh37 (hg19) VCF-style: chr22-21346119-G-T.
Other names: c.993+1G>T (NM_006767.3).
Identifiers: ClinVar variation 1324695 (VCV001324695.16), dbSNP rs770368435, ClinGen allele CA10118678.
Genomic context (GRCh38, chr22:20,991,830, plus strand): 5'-CACTGCTATGACGTGGACTTCCAGACCTGGGAGGTCGTCCAGCCCAGCTCCGACAGCGAG[G>T]TGAGGGTGCCCAGGGGTGTCCTGACCTGCCAGCTGGACACCAGTAGCTCCTACCCTGCTC-3'

ClinVar aggregate classification (germline): Pathogenic/Likely pathogenic. Review status: criteria provided, multiple submitters, no conflicts (2 of 4 stars). 6 submissions from 6 submitters: Pathogenic (4); Likely pathogenic (2). Last evaluated 2026-03-16.

Conditions:
LZTR1-related schwannomatosis. Also called: Schwannomatosis 2; Schwannomatosis-2, susceptibility to. Identifiers: Orphanet 93921, MedGen C3810283, MONDO:0014299, OMIM 615670.
Hereditary cancer-predisposing syndrome. Also called: Neoplastic Syndromes, Hereditary; Hereditary Cancer Syndrome; Hereditary neoplastic syndrome; Tumor predisposition. Identifiers: Orphanet 140162, MedGen C0027672, MeSH D009386, MONDO:0015356.
Cardiovascular phenotype. Identifiers: MedGen CN230736.

Allele frequency attached by ClinVar (database versions not stated): ExAC 0.00005.
gnomAD v4.1: 8 of 1,548,388 alleles (0.00052%); highest among the groups gnomAD compares: Middle Eastern, 0.017%; no homozygotes.

Submissions (7):

GeneDx
Classification: Pathogenic. Last evaluated: 2026-03-16. Review status: criteria provided, single submitter. Criteria: GeneDx Variant Classification Process June 2021. Collection method: clinical testing. Allele origin: germline. Affected: yes.
Comment: Canonical splice site variant predicted to result in a null allele in a gene for which loss of function is a known mechanism of disease; This variant is associated with the following publications: (PMID: 29409008, 40127276)

Labcorp Genetics (formerly Invitae), Labcorp
Classification: Likely pathogenic. Last evaluated: 2026-01-26. Review status: criteria provided, single submitter. Criteria: Invitae Variant Classification Sherloc (09022015). Collection method: clinical testing. Allele origin: germline.
Comment: This sequence change affects a donor splice site in intron 9 of the LZTR1 gene. It is expected to disrupt RNA splicing. Variants that disrupt the donor or acceptor splice site typically lead to a loss of protein function (PMID: 16199547), and loss-of-function variants in LZTR1 are known to be pathogenic (PMID: 24362817, 25335493, 25480913, 25795793, 29469822, 30368668, 30442762, 30442766, 30481304, 30859559). This variant is present in population databases (rs770368435, gnomAD 0.01%). Disruption of this splice site has been observed in individual(s) with schwannomatosis (PMID: 29409008). ClinVar contains an entry for this variant (Variation ID: 1324695). Algorithms developed to predict the effect of sequence changes on RNA splicing suggest that this variant may disrupt the consensus splice site. In summary, the currently available evidence indicates that the variant is pathogenic, but additional data are needed to prove that conclusively. Therefore, this variant has been classified as Likely Pathogenic.

Ambry Genetics
Classification: Pathogenic for Cardiovascular phenotype; Hereditary cancer-predisposing syndrome. Last evaluated: 2025-07-17. Review status: criteria provided, single submitter. Criteria: Ambry Variant Classification Scheme 2023. Collection method: clinical testing. Allele origin: germline.
Comment: The c.993+1G>T intronic pathogenic mutation results from a G to T substitution one nucleotide after coding exon 9 of the LZTR1 gene. This nucleotide position is highly conserved in available vertebrate species. This variant is considered to be rare based on population cohorts in the Genome Aggregation Database (gnomAD). In silico splice site analysis predicts that this alteration will weaken the native splice donor site. RNA studies have demonstrated that this alteration results in abnormal splicing in the set of samples tested (Ambry internal data). Another alteration impacting the same donor site (c.993+1G>A) has been shown to have a similar impact on splicing in RNA studies (Ambry internal data). Loss-of-function variants in LZTR1 are related to an increased risk for schwannomas and autosomal recessive Noonan syndrome; however, such associations with autosomal dominant Noonan syndrome have not been observed (Piotrowski A et al. Nat Genet. 2014 Feb;46:182-7; Yamamoto GL et al. J Med Genet. 2015 Jun;52:413-21; Johnston JJ et al. Genet Med. 2018 10;20:1175-1185). Based on the supporting evidence, this variant is pathogenic for an increased risk of LZTR1-related schwannomatosis (SWN) and would be expected to cause autosomal recessive Noonan syndrome when present along with a second pathogenic or likely pathogenic variant on the other allele; however, the association of this alteration with autosomal dominant Noonan syndrome is unlikely.

Variantyx, Inc.
Classification: Pathogenic for LZTR1-related schwannomatosis. Last evaluated: 2025-07-02. Review status: criteria provided, single submitter. Criteria: Variantyx Assertion Criteria 2022. Collection method: clinical testing. Allele origin: germline. Inheritance: Autosomal dominant inheritance. Affected: no.
Comment: This is a canonical splicing variant in the LZTR1 gene (OMIM: 600574). Pathogenic variants in this gene have been associated with autosomal dominant susceptibility to schwannomatosis 2. This splicing variant is expected to result in loss of function, which is a known disease mechanism for LZTR1 in this disorder (PMID: 29409008) (PVS1). This variant has been reported in at least one affected individual (PMID: 29409008) (PS4). It has a 0.0063% maximum allele frequency in non-founder control populations (PM2). Based on the current evidence, this variant is classified as pathogenic for autosomal dominant susceptibility to schwannomatosis 2.

Baylor Genetics
Classification: Pathogenic for LZTR1-related schwannomatosis. Last evaluated: 2024-03-21. Review status: criteria provided, single submitter. Criteria: ACMG Guidelines, 2015. Collection method: clinical testing. Allele origin: unknown.

Revvity Omics, Revvity
Classification: Likely pathogenic. Last evaluated: 2021-07-18. Review status: criteria provided, single submitter. Criteria: ACMG Guidelines, 2015. Collection method: clinical testing. Allele origin: germline.

Dr. Peter K. Rogan Lab, Western University
No classification provided (evidence only). Condition: Lung cancer. Review status: no classification provided. Collection method: in vitro. Allele origin: not applicable. Functional consequence: retained intron. Not counted in ClinVar's aggregate classification.

Literature cited by the submitters: PubMed 16199547 (cited by Labcorp Genetics (formerly Invitae), Labcorp); PubMed 24362817 (cited by Labcorp Genetics (formerly Invitae), Labcorp); PubMed 25335493 (cited by Labcorp Genetics (formerly Invitae), Labcorp); PubMed 25480913 (cited by Labcorp Genetics (formerly Invitae), Labcorp); PubMed 25795793 (cited by Labcorp Genetics (formerly Invitae), Labcorp); PubMed 29469822 (cited by Labcorp Genetics (formerly Invitae), Labcorp); PubMed 30368668 (cited by Labcorp Genetics (formerly Invitae), Labcorp); PubMed 30442762 (cited by Labcorp Genetics (formerly Invitae), Labcorp); PubMed 30442766 (cited by Labcorp Genetics (formerly Invitae), Labcorp); PubMed 30481304 (cited by Labcorp Genetics (formerly Invitae), Labcorp); PubMed 30859559 (cited by Labcorp Genetics (formerly Invitae), Labcorp); PubMed 29409008 (cited by Labcorp Genetics (formerly Invitae), Labcorp and Variantyx, Inc.).